The following is an entry in ClinVar:

ClinVar aggregate classification (germline): Pathogenic (1 of 4 stars; one submission).

Conditions:
Hereditary hemorrhagic telangiectasia (HHT). Also called: ORW DISEASE; Osler Weber Rendu syndrome; OSLER-RENDU-WEBER DISEASE; Osler hemorrhagic telangiectasia syndrome. Identifiers: Orphanet 774, MedGen C0039445, MONDO:0019180. Disease mechanism: loss of function.

Submission:

Labcorp Genetics (formerly Invitae), Labcorp
Classification: Pathogenic for Hereditary hemorrhagic telangiectasia. Last evaluated: 2025-09-03. Review status: criteria provided, single submitter. Criteria: Invitae Variant Classification Sherloc (09022015). Collection method: clinical testing. Allele origin: germline.
Comment: This sequence change creates a premature translational stop signal (p.Thr544Asnfs*23) in the ENG gene. It is expected to result in an absent or disrupted protein product. Loss-of-function variants in ENG are known to be pathogenic (PMID: 15879500). This variant is not present in population databases (gnomAD no frequency). This variant has not been reported in the literature in individuals affected with ENG-related conditions. For these reasons, this variant has been classified as Pathogenic.

Literature cited by the submitters: PubMed 15879500.

NM_001114753.3(ENG):c.1630dup (p.Thr544fs)

Genes: ENG (endoglin; minus strand), LOC102723566 (uncharacterized LOC102723566; plus strand). Cytogenetic location: 9q34.11.
Variant type: Duplication.
Coding change: c.1630dup on transcript NM_001114753.3 (MANE Select); coding-DNA position 1630, one base duplicated (A; older notation c.1630dupA).
Protein change: p.Thr544fs; shifts the reading frame from threonine 544.
Molecular consequence: frameshift variant.
Genome position (GRCh38, 1-based): chr9:127,818,176, T duplicated on the plus strand (A on the coding strand, the reverse complement: ENG is on the minus strand); the first of 4 consecutive T bases (chr9:127,818,176-127,818,179); duplicating any one gives the same sequence. VCF-style (leftmost placement, unchanged base first): chr9-127818175-G-GT. GRCh37 (hg19) VCF-style: chr9-130580454-G-GT.
Other names: c.1630dup, p.Thr544fs (NM_000118.4); c.1084dup, p.Thr362fs (NM_001278138.2); short protein forms T544fs, T362fs.
Identifiers: ClinVar variation 4726548 (VCV004726548.1).